The following is an entry in ClinVar:

ClinVar aggregate classification (germline): Uncertain significance (1 of 4 stars; one submission).

gnomAD v4.1: 2 of 151,674 alleles (0.0013%); highest among the groups gnomAD compares: African/African-American, 0.0024%; no homozygotes.

Submission:

Greenwood Genetic Center Diagnostic Laboratories, Greenwood Genetic Center
Classification: Uncertain significance. Last evaluated: 2025-01-29. Review status: criteria provided, single submitter. Criteria: ACMG Guidelines, 2015. Collection method: clinical testing. Allele origin: germline.
Comment: PM2, BP4

NM_000083.3(CLCN1):c.180+766T>C

Gene: CLCN1 (chloride voltage-gated channel 1; plus strand). Cytogenetic location: 7q34.
Variant type: single nucleotide variant.
Coding change: c.180+766T>C on transcript NM_000083.3 (MANE Select); 766 bases into the intron after coding-DNA position 180, T replaced by C.
Molecular consequence: intron variant.
Genome position (GRCh38, 1-based): chr7:143,317,158, T>C. VCF-style: chr7-143317158-T-C. GRCh37 (hg19) VCF-style: chr7-143014251-T-C.
Identifiers: ClinVar variation 4851627 (VCV004851627.1).